The following is an entry in ClinVar:

ClinVar aggregate classification (germline): Likely benign (1 of 4 stars; one submission).

Conditions:
PCNT-related disorder. Also called: PCNT-related condition.

gnomAD v4.1: 2 of 1,610,590 alleles (0.00012%); highest among the groups gnomAD compares: Non-Finnish European, 0.00017%; no homozygotes.

Submission:

PreventionGenetics, part of Exact Sciences
Classification: Likely benign for PCNT-related condition. Last evaluated: 2025-02-24. Review status: criteria provided, single submitter. Criteria: ACMG Guidelines, 2015. Collection method: clinical testing. Allele origin: germline.
Comment: This variant is classified as likely benign based on ACMG/AMP sequence variant interpretation guidelines (Richards et al. 2015 PMID: 25741868, with internal and published modifications).

NM_006031.6(PCNT):c.8955C>A (p.Ala2985=)

Gene: PCNT (pericentrin; plus strand). Cytogenetic location: 21q22.3.
Variant type: single nucleotide variant.
Coding change: c.8955C>A on transcript NM_006031.6 (MANE Select); coding-DNA position 8955, C replaced by A.
Protein change: p.Ala2985=; no amino-acid change (alanine 2985 retained).
Molecular consequence: synonymous variant.
Genome position (GRCh38, 1-based): chr21:46,436,107, C>A. VCF-style: chr21-46436107-C-A. GRCh37 (hg19) VCF-style: chr21-47856020-C-A.
Other names: c.8364C>A, p.Ala2788= (NM_001315529.2).
Identifiers: ClinVar variation 5001337 (VCV005001337.1).
Genomic context (GRCh38, chr21:46,436,107, plus strand): 5'-GGACCACCTCCGGGAACAGCAGCGAGAGCTGGAGGCGATGAGGCAGCGGCTGCTCTCTGC[C>A]GCCCGGCTTCTCACCAGCTTCACCAGCCAGGCCGTGGACAGGTGTGCACCCACGCCACCT-3'
Protein context (NP_006022.3, residues 2975-2995): LEAMRQRLLS[Ala2985=]ARLLTSFTSQ